The following is an entry in ClinVar:

ClinVar aggregate classification (germline): Pathogenic. Review status: criteria provided, multiple submitters, no conflicts (2 of 4 stars). 3 submissions from 3 submitters: Pathogenic (3). Last evaluated 2023-05-08.

Conditions:
Hereditary cancer-predisposing syndrome. Also called: Neoplastic Syndromes, Hereditary; Tumor predisposition; Hereditary neoplastic syndrome; Hereditary Cancer Syndrome. Identifiers: Orphanet 140162, MedGen C0027672, MeSH D009386, MONDO:0015356.
Familial adenomatous polyposis 1 (FAP1). Also called: POLYPOSIS, ADENOMATOUS INTESTINAL; FAMILIAL ADENOMATOUS POLYPOSIS 1, ATTENUATED. Identifiers: MedGen C2713442, MONDO:0021056, OMIM 175100. Disease mechanism: loss of function.

Submissions (3):

Myriad Genetics, Inc.
Classification: Pathogenic for Familial adenomatous polyposis 1. Last evaluated: 2023-05-08. Review status: criteria provided, single submitter. Criteria: Myriad Autosomal Dominant, Autosomal Recessive and X-Linked Classification Criteria (2023). Collection method: clinical testing. Allele origin: unknown.
Comment: This variant is considered pathogenic. This variant creates a frameshift predicted to result in premature protein truncation.

Ambry Genetics
Classification: Pathogenic for Hereditary cancer-predisposing syndrome. Last evaluated: 2023-01-12. Review status: criteria provided, single submitter. Criteria: Ambry Variant Classification Scheme 2023. Collection method: clinical testing. Allele origin: germline.
Comment: The c.3385_3386delTT pathogenic mutation, located in coding exon 15 of the APC gene, results from a deletion of two nucleotides at nucleotide positions 3385 to 3386, causing a translational frameshift with a predicted alternate stop codon (p.L1129Vfs*5). This alteration occurs at the 3' terminus of theAPC gene and is not expected to trigger nonsense-mediated mRNA decay. However, premature stop codons are typically deleterious in nature and a significant portion of the protein is affected (Ambry internal data). This variant is considered to be rare based on population cohorts in the Genome Aggregation Database (gnomAD). Based on the supporting evidence, this alteration is interpreted as a disease-causing mutation.

Labcorp Genetics (formerly Invitae), Labcorp
Classification: Pathogenic for Familial adenomatous polyposis 1. Last evaluated: 2022-11-14. Review status: criteria provided, single submitter. Criteria: Invitae Variant Classification Sherloc (09022015). Collection method: clinical testing. Allele origin: germline.
Comment: For these reasons, this variant has been classified as Pathogenic. This sequence change creates a premature translational stop signal (p.Leu1129Valfs*5) in the APC gene. While this is not anticipated to result in nonsense mediated decay, it is expected to disrupt the last 1715 amino acid(s) of the APC protein. This variant is not present in population databases (gnomAD no frequency). This variant has not been reported in the literature in individuals affected with APC-related conditions. ClinVar contains an entry for this variant (Variation ID: 823696). This variant is expected to disrupt the EB1 and HDLG binding sites, which mediate interactions with the cytoskeleton (PMID: 15311282, 17293347). While functional studies have not been performed to directly test the effect on APC protein function, this suggests that disruption of the C-terminal portion of the protein is functionally important. A different truncation (p.Tyr2645Lysfs*14) that lies downstream of this variant has been determined to be pathogenic (PMID: 9824584, 1316610, 27081525, 8381579, 22135120, Invitae). This suggests that deletion of this region of the APC protein is causative of disease.

Literature cited by the submitters: PubMed 15311282 (cited by Labcorp Genetics (formerly Invitae), Labcorp); PubMed 17293347 (cited by Labcorp Genetics (formerly Invitae), Labcorp); PubMed 9824584 (cited by Labcorp Genetics (formerly Invitae), Labcorp); PubMed 1316610 (cited by Labcorp Genetics (formerly Invitae), Labcorp); PubMed 27081525 (cited by Labcorp Genetics (formerly Invitae), Labcorp); PubMed 8381579 (cited by Labcorp Genetics (formerly Invitae), Labcorp); PubMed 22135120 (cited by Labcorp Genetics (formerly Invitae), Labcorp).

NM_000038.6(APC):c.3385_3386del (p.Leu1129fs)

Gene: APC (APC regulator of Wnt signaling pathway; plus strand). Cytogenetic location: 5q22.2.
Variant type: Deletion.
Coding change: c.3385_3386del on transcript NM_000038.6 (MANE Select); coding-DNA positions 3385 to 3386, 2 bases deleted (TT; older notation c.3385_3386delTT).
Protein change: p.Leu1129fs; shifts the reading frame from leucine 1129.
Molecular consequence: frameshift variant.
Genome position (GRCh38, 1-based): chr5:112,838,979-112,838,980, TT deleted; deleting any 2 consecutive bases within chr5:112,838,978-112,838,980 gives the same sequence; the c. name uses the placement nearest the transcript's 3' end. VCF-style (leftmost placement, unchanged base first): chr5-112838977-CTT-C. GRCh37 (hg19) VCF-style: chr5-112174674-CTT-C.
Other names: c.3385_3386del, p.Leu1129fs (NM_001127510.3, NM_001354895.2); c.3331_3332del, p.Leu1111fs (NM_001127511.3); c.3439_3440del, p.Leu1147fs (NM_001354896.2); c.3415_3416del, p.Leu1139fs (NM_001354897.2); c.3310_3311del, p.Leu1104fs (NM_001354898.2); c.3301_3302del, p.Leu1101fs (NM_001354899.2); c.3262_3263del, p.Leu1088fs (NM_001354900.2); c.3208_3209del, p.Leu1070fs (NM_001354901.2); and 6 more; short protein forms L1028fs, L1104fs, L1111fs, L846fs, L1003fs, L1038fs, L1101fs, L1139fs.
Identifiers: ClinVar variation 823696 (VCV000823696.15), dbSNP rs1114167616, ClinGen allele CA645543565.